The following is an entry in ClinVar:

NM_006757.4(TNNT3):c.565G>T (p.Asp189Tyr)

Gene: TNNT3 (troponin T3, fast skeletal type; plus strand). Cytogenetic location: 11p15.5.
Variant type: single nucleotide variant.
Coding change: c.565G>T on transcript NM_006757.4 (MANE Select); coding-DNA position 565, G replaced by T.
Protein change: p.Asp189Tyr; replaces aspartic acid 189 with tyrosine.
Molecular consequence: missense variant.
Genome position (GRCh38, 1-based): chr11:1,934,630, G>T. VCF-style: chr11-1934630-G-T. GRCh37 (hg19) VCF-style: chr11-1955860-G-T.
Other names: c.541G>T, p.Asp181Tyr (NM_001042780.3, NM_001042782.3, NM_001297646.2 and 2 more transcripts); c.559G>T, p.Asp187Tyr (NM_001042781.3, NM_001367842.1, NM_001367843.1); c.574G>T, p.Asp192Tyr (NM_001363561.2, NM_001367847.1); c.598G>T, p.Asp200Tyr (NM_001367846.1); c.562G>T, p.Asp188Tyr (NM_001367848.1); c.553G>T, p.Asp185Tyr (NM_001367849.1); c.508G>T, p.Asp170Tyr (NM_001367850.1); c.361G>T, p.Asp121Tyr (NM_001367851.1, NM_001367852.1); and 1 more; short protein forms D121Y, D187Y, D188Y, D185Y, D192Y, D170Y, D189Y, D181Y.
Identifiers: ClinVar variation 1395435 (VCV001395435.7), dbSNP rs778613532, ClinGen allele CA379098734.

ClinVar aggregate classification (germline): Uncertain significance. Review status: criteria provided, multiple submitters, no conflicts (2 of 4 stars). 2 submissions from 2 submitters: Uncertain significance (2). Last evaluated 2025-09-25.

Conditions:
Inborn genetic diseases. Identifiers: MedGen C0950123, MeSH D030342.

gnomAD v4.1: 5 of 1,609,134 alleles (0.00031%); highest among the groups gnomAD compares: Non-Finnish European, 0.00042%; no homozygotes.

Submissions (2):

Ambry Genetics
Classification: Uncertain significance for Inborn genetic diseases. Last evaluated: 2025-09-25. Review status: criteria provided, single submitter. Criteria: Ambry Variant Classification Scheme 2023. Collection method: clinical testing. Allele origin: germline.
Comment: The c.565G>T (p.D189Y) alteration is located in exon 13 (coding exon 12) of the TNNT3 gene. This alteration results from a G to T substitution at nucleotide position 565, causing the aspartic acid (D) at amino acid position 189 to be replaced by a tyrosine (Y). Based on data from gnomAD, the T allele has an overall frequency of <0.001% (1/240930) total alleles studied. The highest observed frequency was 0.001% (1/107788) of European (non-Finnish) alleles. Based on insufficient or conflicting evidence, the clinical significance of this alteration remains unclear.

Labcorp Genetics (formerly Invitae), Labcorp
Classification: Uncertain significance. Last evaluated: 2022-08-22. Review status: criteria provided, single submitter. Criteria: Invitae Variant Classification Sherloc (09022015). Collection method: clinical testing. Allele origin: germline.
Comment: In summary, the available evidence is currently insufficient to determine the role of this variant in disease. Therefore, it has been classified as a Variant of Uncertain Significance. Algorithms developed to predict the effect of missense changes on protein structure and function are either unavailable or do not agree on the potential impact of this missense change (SIFT: "Deleterious"; PolyPhen-2: "Probably Damaging"; Align-GVGD: "Class C0"). ClinVar contains an entry for this variant (Variation ID: 1395435). This variant has not been reported in the literature in individuals affected with TNNT3-related conditions. The frequency data for this variant in the population databases is considered unreliable, as metrics indicate poor data quality at this position in the gnomAD database. This sequence change replaces aspartic acid, which is acidic and polar, with tyrosine, which is neutral and polar, at codon 189 of the TNNT3 protein (p.Asp189Tyr).